The following is an entry in ClinVar:

NM_001102564.3(IFT43):c.296-5613del

Gene: IFT43 (intraflagellar transport 43; plus strand). Cytogenetic location: 14q24.3.
Variant type: Deletion.
Coding change: c.296-5613del on transcript NM_001102564.3 (MANE Select); 5613 bases into the intron before coding-DNA position 296, one base deleted (G; older notation c.296-5613delG).
Molecular consequence: intron variant. On other transcripts: frameshift variant (1).
Genome position (GRCh38, 1-based): chr14:76,076,682, G deleted; the last of 2 consecutive G bases (chr14:76,076,681-76,076,682); deleting either gives the same sequence. VCF-style (leftmost placement, unchanged base first): chr14-76076680-TG-T. GRCh37 (hg19) VCF-style: chr14-76543023-TG-T.
Other names: c.301del, p.Glu101fs (NM_052873.3); short protein forms E101fs.
Identifiers: ClinVar variation 2829572 (VCV002829572.3), dbSNP rs2503205188, ClinGen allele CA2739278980.
Genomic context (GRCh38, chr14:76,076,680, plus strand): 5'-AGCTGGATCTGAACGCATGCTATCACAAAACGCATCACAGAGATTTGGGGCTGGCTTCAT[TG>T]GAAGAGGCAGGTAGGCTTTTGACTGTCAGTCTACGGGAACTGAAAAGGATCCTTCTGGGA-3'

ClinVar aggregate classification (germline): Pathogenic (1 of 4 stars; one submission).

Submission:

Labcorp Genetics (formerly Invitae), Labcorp
Classification: Pathogenic. Last evaluated: 2023-07-13. Review status: criteria provided, single submitter. Criteria: Invitae Variant Classification Sherloc (09022015). Collection method: clinical testing. Allele origin: germline.
Comment: This sequence change creates a premature translational stop signal (p.Glu101Lysfs*31) in the IFT43 gene. It is expected to result in an absent or disrupted protein product. Loss-of-function variants in IFT43 are known to be pathogenic (PMID: 21378380, 28400947). This variant is not present in population databases (gnomAD no frequency). This variant has not been reported in the literature in individuals affected with IFT43-related conditions. For these reasons, this variant has been classified as Pathogenic.

Literature cited by the submitters: PubMed 21378380; PubMed 28400947.